The following is an entry in ClinVar:

NM_005956.4(MTHFD1):c.2718G>A (p.Thr906=)

Genes: MTHFD1 (methylenetetrahydrofolate dehydrogenase, cyclohydrolase and formyltetrahydrofolate synthetase 1; plus strand), ZBTB25 (zinc finger and BTB domain containing 25; minus strand). Cytogenetic location: 14q23.3.
Variant type: single nucleotide variant.
Coding change: c.2718G>A on transcript NM_005956.4 (MANE Select); coding-DNA position 2718, G replaced by A.
Protein change: p.Thr906=; no amino-acid change (threonine 906 retained).
Molecular consequence: synonymous variant. On other transcripts: intron variant (1).
Genome position (GRCh38, 1-based): chr14:64,454,875, G>A. VCF-style: chr14-64454875-G-A. GRCh37 (hg19) VCF-style: chr14-64921593-G-A.
Other names: c.2718G>A, p.Thr906= (NM_001364837.1); c.174-5237C>T (NM_001304508.1).
Identifiers: ClinVar variation 1935886 (VCV001935886.4), dbSNP rs2550508505, ClinGen allele CA486724056.
Genomic context (GRCh38, chr14:64,454,875, plus strand): 5'-GCCCATTCGCGACATCCGCGCCAGCGTTGGGGCTGGTTTTCTGTACCCCTTAGTAGGAAC[G>A]GTAAGTGCATGCTGCAAGGGAGTAGTGGGCGCATCTGCACTTCTCGTCTGAAGTGTGTTG-3'
Protein context (NP_005947.3, residues 896-916): GAGFLYPLVG[Thr906=]MSTMPGLPTR

ClinVar aggregate classification (germline): Uncertain significance (1 of 4 stars; one submission).

Allele frequency attached by ClinVar (database versions not stated): gnomAD exomes below 0.00001.
gnomAD v4.1: 4 of 1,614,154 alleles (0.00025%); highest among the groups gnomAD compares: East Asian, 0.0022%; no homozygotes.

Submission:

Labcorp Genetics (formerly Invitae), Labcorp
Classification: Uncertain significance. Last evaluated: 2021-12-19. Review status: criteria provided, single submitter. Criteria: Invitae Variant Classification Sherloc (09022015). Collection method: clinical testing. Allele origin: germline.
Comment: This sequence change affects codon 906 of the MTHFD1 mRNA. It is a 'silent' change, meaning that it does not change the encoded amino acid sequence of the MTHFD1 protein. This variant also falls at the last nucleotide of exon 26, which is part of the consensus splice site for this exon. This variant is not present in population databases (gnomAD no frequency). This variant has not been reported in the literature in individuals affected with MTHFD1-related conditions. Variants that disrupt the consensus splice site are a relatively common cause of aberrant splicing (PMID: 17576681, 9536098). Algorithms developed to predict the effect of sequence changes on RNA splicing suggest that this variant may disrupt the consensus splice site. In summary, the available evidence is currently insufficient to determine the role of this variant in disease. Therefore, it has been classified as a Variant of Uncertain Significance.

Literature cited by the submitters: PubMed 17576681; PubMed 9536098.